The following is an entry in ClinVar:

ClinVar aggregate classification (germline): Likely benign. Review status: criteria provided, multiple submitters, no conflicts (2 of 4 stars). 5 submissions from 5 submitters: Likely benign (3). 2 of the submissions do not count toward it. Last evaluated 2025-11-03.

Conditions:
MKS1-related disorder. Also called: MKS1-related condition; MKS1-related disorders. Identifiers: MedGen CN239382.
Meckel-Gruber syndrome. Also called: DYSENCEPHALIA SPLANCHNOCYSTICA; GRUBER SYNDROME; Dysencephalia splachnocystica. Identifiers: Orphanet 564, MedGen C0265215, MONDO:0018921.
Joubert syndrome. Also called: JOUBERT-BOLTSHAUSER SYNDROME; Familial aplasia of the vermis. Identifiers: Orphanet 475, MedGen C5979921, MONDO:0018772.
Meckel syndrome, type 1 (MKS1). Also called: MECKEL-GRUBER SYNDROME, TYPE 1. Identifiers: Orphanet 564, MedGen C3714506, MONDO:0009571, OMIM 249000.

Allele frequency attached by ClinVar (database versions not stated): gnomAD exomes 0.00002 and 0.00011; gnomAD 0.00007; TOPMed 0.00008; ExAC 0.00002; 1000 Genomes Project 0.00020; 1000 Genomes Project 30x 0.00031.
gnomAD v4.1: 172 of 1,613,968 alleles (0.011%); highest among the groups gnomAD compares: Non-Finnish European, 0.014%; no homozygotes.

Submissions (5):

Labcorp Genetics (formerly Invitae), Labcorp
Classification: Likely benign for Joubert syndrome; Meckel-Gruber syndrome. Last evaluated: 2025-11-03. Review status: criteria provided, single submitter. Criteria: Invitae Variant Classification Sherloc (09022015). Collection method: clinical testing. Allele origin: germline.

CeGaT Center for Human Genetics Tuebingen
Classification: Likely benign. Last evaluated: 2022-09-01. Review status: criteria provided, single submitter. Criteria: CeGaT Center For Human Genetics Tuebingen Variant Classification Criteria Version 2. Collection method: clinical testing. Allele origin: germline. Affected: yes. Observed: 1 variant allele.
Comment: MKS1: BP4, BP7

Genetic Services Laboratory, University of Chicago
Classification: Likely benign. Last evaluated: 2018-04-10. Review status: criteria provided, single submitter. Criteria: ACMG Guidelines, 2015. Collection method: clinical testing. Allele origin: germline. Affected: no.

PreventionGenetics, part of Exact Sciences
Classification: Likely benign for MKS1-related condition. Last evaluated: 2023-11-16. Review status: no assertion criteria provided. Collection method: clinical testing. Allele origin: germline. Not counted in ClinVar's aggregate classification.
Comment: This variant is classified as likely benign based on ACMG/AMP sequence variant interpretation guidelines (Richards et al. 2015 PMID: 25741868, with internal and published modifications).

Natera, Inc.
Classification: Uncertain significance for Meckel syndrome type 1. Last evaluated: 2019-11-11. Review status: no assertion criteria provided. Collection method: clinical testing. Allele origin: germline. Not counted in ClinVar's aggregate classification.

NM_017777.4(MKS1):c.1134A>G (p.Glu378=)

Gene: MKS1 (MKS transition zone complex subunit 1; minus strand). Cytogenetic location: 17q22.
Variant type: single nucleotide variant.
Coding change: c.1134A>G on transcript NM_017777.4 (MANE Select); coding-DNA position 1134, A replaced by G.
Protein change: p.Glu378=; no amino-acid change (glutamic acid 378 retained).
Molecular consequence: synonymous variant.
Genome position (GRCh38, 1-based): chr17:58,208,136, T>C on the plus strand (A>G on the coding strand, the complement: MKS1 is on the minus strand). VCF-style: chr17-58208136-T-C. GRCh37 (hg19) VCF-style: chr17-56285497-T-C.
Other names: c.525A>G, p.Glu175= (NM_001321268.2); c.1134A>G, p.Glu378= (NM_001321269.2, NM_001330397.2).
Identifiers: ClinVar variation 409981 (VCV000409981.39), dbSNP rs77365082, ClinGen allele CA8669252.